The following is an entry in ClinVar:

NM_004304.5(ALK):c.-106_-5del

Gene: ALK (ALK receptor tyrosine kinase; minus strand). Cytogenetic location: 2p23.1.
Variant type: Deletion.
Coding change: c.-106_-5del on transcript NM_004304.5 (MANE Select); 106 bases upstream of the start codon through 5 bases upstream of the start codon, 102 bases deleted.
Molecular consequence: 5 prime UTR variant.
Genome position (GRCh38, 1-based): chr2:29,920,664-29,920,765, 102 bases deleted. GRCh37 (hg19): chr2:30,143,530-30,143,631.
Identifiers: ClinVar variation 5035625 (VCV005035625.1).

ClinVar aggregate classification (germline): Uncertain significance (1 of 4 stars; one submission).

Conditions:
Hereditary cancer-predisposing syndrome. Also called: Hereditary Cancer Syndrome; Neoplastic Syndromes, Hereditary; Tumor predisposition; Hereditary neoplastic syndrome. Identifiers: Orphanet 140162, MedGen C0027672, MeSH D009386, MONDO:0015356.

Submission:

Ambry Genetics
Classification: Uncertain significance for Hereditary cancer-predisposing syndrome. Last evaluated: 2026-08-27. Review status: criteria provided, single submitter. Criteria: Ambry Variant Classification Scheme 2023. Collection method: clinical testing. Allele origin: germline.
Comment: The c.-106_-5del102 variant is located in the 5' untranslated region (5'UTR) of the ALK gene. This variant results from a deletion of 102 nucleotides upstream from the first translated codon. This nucleotide region is not well conserved in available vertebrate species. Based on the available evidence, the clinical significance of this variant remains unclear.